The following is an entry in ClinVar:

ClinVar aggregate classification (germline): Pathogenic (1 of 4 stars; one submission).

Submission:

GeneDx
Classification: Pathogenic. Last evaluated: 2024-06-07. Review status: criteria provided, single submitter. Criteria: GeneDx Variant Classification Process June 2021. Collection method: clinical testing. Allele origin: germline. Affected: yes.
Comment: Not observed at significant frequency in large population cohorts (gnomAD); In-frame deletion of 1 amino acid in a non-repeat region; In silico analysis supports a deleterious effect on protein structure/function; Has not been previously published as pathogenic or benign to our knowledge

NM_004859.4(CLTC):c.4251GTT[1] (p.Leu1419del)

Genes: CLTC (clathrin heavy chain; plus strand), LOC126862609 (CDK7 strongly-dependent group 2 enhancer GRCh37_chr17:57760547-57761746; plus strand). Cytogenetic location: 17q23.1.
Variant type: Microsatellite.
Coding change: c.4251GTT[1] on transcript NM_004859.4 (MANE Select); one copy of the 3-base unit GTT starting at c.4251; the reference has two copies in a row; one copy, 3 bases deleted.
Protein change: p.Leu1419del; deletes leucine 1419.
Molecular consequence: inframe deletion.
Genome position (GRCh38, 1-based): chr17:59,683,687-59,683,689, GTT deleted; deleting any 3 consecutive bases within chr17:59,683,683-59,683,689 gives the same sequence; the position shown is the placement nearest the transcript's 3' end. VCF-style (leftmost placement, unchanged base first): chr17-59683682-CTGT-C. GRCh37 (hg19) VCF-style: chr17-57761043-CTGT-C.
Other names: c.4263GTT[1], p.Leu1423del (NM_001288653.2); short protein forms L1419del, L1423del.
Identifiers: ClinVar variation 1254050 (VCV001254050.6), dbSNP rs2143596526, ClinGen allele CA2580613177.
Genomic context (GRCh38, chr17:59,683,682, plus strand): 5'-TAGGTTGCCAATGTGGAACTATACTACAGAGCAATACAGTTCTACTTAGAATTCAAGCCT[CTGT>C]TGTTAAATGATTTGCTGATGGTGCTGTCTCCACGGTTGGATCACACTCGTGCAGTCAATT-3'